The following is an entry in ClinVar:

NM_000535.7(PMS2):c.164-4C>A

Gene: PMS2 (PMS1 homolog 2, mismatch repair system component; minus strand). Cytogenetic location: 7p22.1.
Variant type: single nucleotide variant.
Coding change: c.164-4C>A on transcript NM_000535.7 (MANE Select); 4 bases into the intron before coding-DNA position 164, C replaced by A.
Molecular consequence: intron variant.
Genome position (GRCh38, 1-based): chr7:6,004,062, G>T on the plus strand (C>A on the coding strand, the complement: PMS2 is on the minus strand). VCF-style: chr7-6004062-G-T. GRCh37 (hg19) VCF-style: chr7-6043693-G-T.
Other names: c.-52-4C>A (NM_001322008.2, NM_001322007.2); c.-242-4C>A (NM_001322010.2, NM_001322004.2, NM_001322013.2 and 3 more transcripts); c.-721-4C>A (NM_001322012.2, NM_001322011.2); c.-321-4C>A (NM_001322015.2); c.164-4C>A (NM_001322006.2, NM_001322014.2).
Identifiers: ClinVar variation 230199 (VCV000230199.17), dbSNP rs876658444, ClinGen allele CA10578727.

ClinVar aggregate classification (germline): Conflicting classifications of pathogenicity. Review status: criteria provided, conflicting classifications (1 of 4 stars). 6 submissions from 6 submitters: Uncertain significance (1); Likely benign (4). 1 of the submissions does not count toward it. Last evaluated 2026-01-20.

Conditions:
Hereditary cancer-predisposing syndrome. Also called: Hereditary neoplastic syndrome; Tumor predisposition; Neoplastic Syndromes, Hereditary; Hereditary Cancer Syndrome. Identifiers: Orphanet 140162, MedGen C0027672, MeSH D009386, MONDO:0015356.
Hereditary nonpolyposis colorectal neoplasms. Identifiers: MedGen C0009405, MeSH D003123.
Lynch syndrome. Identifiers: Orphanet 144, MedGen C4552100, MONDO:0005835. Disease mechanism: loss of function.
Carcinoma of colon (CRC). Also called: Colon carcinoma; Colonic carcinoma. Identifiers: MedGen C0699790, MONDO:0002032.

Submissions (6):

Labcorp Genetics (formerly Invitae), Labcorp
Classification: Likely benign for Hereditary nonpolyposis colorectal neoplasms. Last evaluated: 2026-01-20. Review status: criteria provided, single submitter. Criteria: Invitae Variant Classification Sherloc (09022015). Collection method: clinical testing. Allele origin: germline.

Women's Health and Genetics/Laboratory Corporation of America, LabCorp
Classification: Likely benign. Last evaluated: 2025-12-14. Review status: criteria provided, single submitter. Criteria: LabCorp Variant Classification Summary - May 2015. Collection method: clinical testing. Allele origin: germline.

Color Diagnostics, LLC DBA Color Health
Classification: Likely benign for Hereditary cancer-predisposing syndrome. Last evaluated: 2025-06-19. Review status: criteria provided, single submitter. Criteria: ACMG Guidelines, 2015. Collection method: clinical testing. Allele origin: germline.

All of Us Research Program, National Institutes of Health
Classification: Uncertain significance for Lynch syndrome. Last evaluated: 2023-09-09. Review status: criteria provided, single submitter. Criteria: ACMG Guidelines, 2015. Collection method: clinical testing. Allele origin: germline. Inheritance: Autosomal dominant inheritance. Observed: 3 variant alleles, 3 heterozygotes.
Comment: This variant causes a C to A nucleotide substitution at the -4 position of intron 2 of the PMS2 gene. To our knowledge, functional studies have not been reported for this variant. This variant has not been reported in individuals affected with PMS2-related disorders in the literature. This variant has not been identified in the general population by the Genome Aggregation Database (gnomAD). The available evidence is insufficient to determine the role of this variant in disease conclusively. Therefore, this variant is classified as a Variant of Uncertain Significance.

This study involves interpretation of variants in research participants for the purpose of population health screening. Participant phenotype was not available at the time of variant classification. Additional details can be found in publication PMID: 35346344, PMCID: PMC8962531

Ambry Genetics
Classification: Likely benign for Hereditary cancer-predisposing syndrome. Last evaluated: 2017-07-31. Review status: criteria provided, single submitter. Criteria: Ambry Variant Classification Scheme 2023. Collection method: clinical testing. Allele origin: germline.

Department of Pathology and Laboratory Medicine, Sinai Health System
Classification: Uncertain significance for Carcinoma of colon. Review status: no assertion criteria provided. Collection method: clinical testing. Allele origin: unknown. Affected: yes. Study: The Canadian Open Genetics Repository (COGR). Not counted in ClinVar's aggregate classification.
Comment: The PMS2 c.164-4C>A variant was not identified in the literature. The variant was identified in dbSNP (rs876658444) as â€šÃ„Ãºwith likely benign alleleâ€šÃ„Ã¹ and ClinVar (classified as likely benign by Ambry Genetics and Invitae). The variant was not identified in the following control databases: the Exome Aggregation Consortium (August 8th 2016) or the Genome Aggregation Database (Feb 27, 2017). The c.164-4C>A variant is located in the 3' splice region but does not affect the invariant -1 and -2 positions nor does it affect positions -3 and -5 to -12, which are also part of the splicing consensus sequence and variants involving these positions sometimes affect splicing. In addition, in silico or computational prediction software programs (SpliceSiteFinder, MaxEntScan, NNSPLICE, GeneSplicer) do not predict a difference in splicing. In summary, based on the above information, the clinical significance of this variant cannot be determined with certainty at this time. This variant is classified as a variant of uncertain significance.